The following is an entry in ClinVar:

NM_000308.4(CTSA):c.1359+35G>A

Gene: CTSA (cathepsin A; plus strand). Cytogenetic location: 20q13.12.
Variant type: single nucleotide variant.
Coding change: c.1359+35G>A on transcript NM_000308.4 (MANE Select); 35 bases into the intron after coding-DNA position 1359, G replaced by A.
Molecular consequence: intron variant.
Genome position (GRCh38, 1-based): chr20:45,898,144, G>A. VCF-style: chr20-45898144-G-A. GRCh37 (hg19) VCF-style: chr20-44526783-G-A.
Other names: c.1359+35G>A (NM_001127695.3); c.1308+35G>A (NM_001167594.3).
Identifiers: ClinVar variation 671990 (VCV000671990.6), dbSNP rs7270170, ClinGen allele CA9883388.

ClinVar aggregate classification (germline): Benign. Review status: criteria provided, multiple submitters, no conflicts (2 of 4 stars). 3 submissions from 3 submitters: Benign (3). Last evaluated 2021-07-30.

Conditions:
Combined deficiency of sialidase AND beta galactosidase (GSL). Also called: GOLDBERG SYNDROME; NEURAMINIDASE DEFICIENCY WITH BETA-GALACTOSIDASE DEFICIENCY; NEURAMINIDASE/BETA-GALACTOSIDASE EXPRESSION; PPCA DEFICIENCY; PROTECTIVE PROTEIN/CATHEPSIN A DEFICIENCY; Galactosialidosis. Identifiers: Orphanet 351, MedGen C0268233, MONDO:0009737, OMIM 256540.

Allele frequency attached by ClinVar (database versions not stated): 1000 Genomes Project 30x 0.22049; 1000 Genomes Project 0.22364; TOPMed 0.31404; ESP Exome Variant Server 0.33769; gnomAD 0.34309; gnomAD exomes 0.36852 and 0.42502; ExAC 0.37091.
gnomAD v4.1: 663,074 of 1,594,712 alleles (42%); highest among the groups gnomAD compares: Non-Finnish European, 46%; 146,858 homozygotes.

Submissions (3):

Genome-Nilou Lab
Classification: Benign for Combined deficiency of sialidase AND beta galactosidase. Last evaluated: 2021-07-30. Review status: criteria provided, single submitter. Criteria: ACMG Guidelines, 2015. Collection method: clinical testing. Allele origin: germline. Affected: no.

GeneDx
Classification: Benign. Last evaluated: 2018-06-19. Review status: criteria provided, single submitter. Criteria: GeneDx Variant Classification (06012015). Collection method: clinical testing. Allele origin: germline. Affected: yes.
Comment: This variant is considered likely benign or benign based on one or more of the following criteria: it is a conservative change, it occurs at a poorly conserved position in the protein, it is predicted to be benign by multiple in silico algorithms, and/or has population frequency not consistent with disease.

Breakthrough Genomics
Classification: Benign. Review status: criteria provided, single submitter. Criteria: ACMG Guidelines, 2015. Collection method: not provided. Allele origin: germline. Inheritance: Autosomal recessive inheritance. Affected: yes.